The following is an entry in ClinVar:

ClinVar aggregate classification (germline): Likely benign. Review status: criteria provided, single submitter (1 of 4 stars). 2 submissions from 2 submitters: Likely benign (1). 1 of the submissions does not count toward it. Last evaluated 2025-07-11.

Conditions:
Kabuki syndrome. Also called: Kabuki make-up syndrome; NIIKAWA-KUROKI SYNDROME. Identifiers: Orphanet 2322, MedGen C0796004, MONDO:0016512.
KMT2D-related disorder. Also called: KMT2D-Related Disorders.

Allele frequency attached by ClinVar (database versions not stated): ExAC 0.00002; gnomAD exomes 0.00002 and 0.00003; gnomAD 0.00004; TOPMed 0.00004.
gnomAD v4.1: 46 of 1,612,306 alleles (0.0029%); highest among the groups gnomAD compares: Non-Finnish European, 0.0036%; no homozygotes.

Submissions (2):

Labcorp Genetics (formerly Invitae), Labcorp
Classification: Likely benign for Kabuki syndrome. Last evaluated: 2025-07-11. Review status: criteria provided, single submitter. Criteria: Invitae Variant Classification Sherloc (09022015). Collection method: clinical testing. Allele origin: germline.

PreventionGenetics, part of Exact Sciences
Classification: Likely benign for KMT2D-related condition. Last evaluated: 2020-07-29. Review status: no assertion criteria provided. Collection method: clinical testing. Allele origin: germline. Not counted in ClinVar's aggregate classification.
Comment: This variant is classified as likely benign based on ACMG/AMP sequence variant interpretation guidelines (Richards et al. 2015 PMID: 25741868, with internal and published modifications).

NM_003482.4(KMT2D):c.16338+5G>A

Gene: KMT2D (lysine methyltransferase 2D; minus strand). Cytogenetic location: 12q13.12.
Variant type: single nucleotide variant.
Coding change: c.16338+5G>A on transcript NM_003482.4 (MANE Select); 5 bases into the intron after coding-DNA position 16338, G replaced by A.
Molecular consequence: intron variant.
Genome position (GRCh38, 1-based): chr12:49,022,585, C>T on the plus strand (G>A on the coding strand, the complement: KMT2D is on the minus strand). VCF-style: chr12-49022585-C-T. GRCh37 (hg19) VCF-style: chr12-49416368-C-T.
Other names: c.16338+5G>A (NM_003482.3).
Identifiers: ClinVar variation 1395489 (VCV001395489.8), dbSNP rs751008381, ClinGen allele CA6545399.
Genomic context (GRCh38, chr12:49,022,585, plus strand): 5'-TCCTGCCCTTGCTCCTTGGTTGAGTGCAGACTATGCACCACAATGGCCCCTCTGCCAGCT[C>T]ATACCTGCTCTTCGTAGATTTTCTCCCGCCGGTTGGCCACCTCGTTCCGAATGATGGTGC-3'